The following is an entry in ClinVar:

ClinVar aggregate classification (germline): Uncertain significance (1 of 4 stars; one submission).

Conditions:
Wilms tumor 1 (WT1). Also called: Wilms tumor, somatic. Identifiers: Orphanet 654, MedGen CN033288, MONDO:0008679, OMIM 194070.

Submission:

Labcorp Genetics (formerly Invitae), Labcorp
Classification: Uncertain significance for Wilms tumor 1. Last evaluated: 2023-10-07. Review status: criteria provided, single submitter. Criteria: Invitae Variant Classification Sherloc (09022015). Collection method: clinical testing. Allele origin: germline.
Comment: This sequence change replaces serine, which is neutral and polar, with threonine, which is neutral and polar, at codon 403 of the GPC3 protein (p.Ser403Thr). This variant is not present in population databases (gnomAD no frequency). This variant has not been reported in the literature in individuals affected with GPC3-related conditions. Advanced modeling of protein sequence and biophysical properties (such as structural, functional, and spatial information, amino acid conservation, physicochemical variation, residue mobility, and thermodynamic stability) performed at Invitae indicates that this missense variant is not expected to disrupt GPC3 protein function. In summary, the available evidence is currently insufficient to determine the role of this variant in disease. Therefore, it has been classified as a Variant of Uncertain Significance.

NM_004484.4(GPC3):c.1208G>C (p.Ser403Thr)

Gene: GPC3 (glypican 3; minus strand). Cytogenetic location: Xq26.2.
Variant type: single nucleotide variant.
Coding change: c.1208G>C on transcript NM_004484.4 (MANE Select); coding-DNA position 1208, G replaced by C.
Protein change: p.Ser403Thr; replaces serine 403 with threonine.
Molecular consequence: missense variant.
Genome position (GRCh38, 1-based): chrX:133,692,453, C>G on the plus strand (G>C on the coding strand, the complement: GPC3 is on the minus strand). VCF-style: chrX-133692453-C-G. GRCh37 (hg19) VCF-style: chrX-132826481-C-G.
Other names: c.1277G>C, p.Ser426Thr (NM_001164617.2); c.1160G>C, p.Ser387Thr (NM_001164618.2); c.1046G>C, p.Ser349Thr (NM_001164619.2); short protein forms S349T, S403T, S426T, S387T.
Identifiers: ClinVar variation 2766628 (VCV002766628.3), dbSNP rs2071074109, ClinGen allele CA414705645.